The following is an entry in ClinVar:

NM_000535.7(PMS2):c.303T>C (p.Val101=)

Gene: PMS2 (PMS1 homolog 2, mismatch repair system component; minus strand). Cytogenetic location: 7p22.1.
Variant type: single nucleotide variant.
Coding change: c.303T>C on transcript NM_000535.7 (MANE Select); coding-DNA position 303, T replaced by C.
Protein change: p.Val101=; no amino-acid change (valine 101 retained).
Molecular consequence: synonymous variant. On other transcripts: 5 prime UTR variant (25), non-coding transcript variant (1), intron variant (21).
Genome position (GRCh38, 1-based): chr7:6,003,740, A>G on the plus strand (T>C on the coding strand, the complement: PMS2 is on the minus strand). VCF-style: chr7-6003740-A-G. GRCh37 (hg19) VCF-style: chr7-6043371-A-G.
Other names: c.-582T>C (NM_001322011.2, NM_001322012.2); c.-182T>C (NM_001406882.1, NM_001406875.1, NM_001406877.1 and 3 more transcripts); c.303T>C, p.Val101= (NM_001406884.1, NM_001406886.1, NM_001406869.1 and 8 more transcripts); c.-103T>C (NM_001406887.1, NM_001018040.1, NM_001322003.2 and 14 more transcripts); c.-93T>C (NM_001406890.1); c.489T>C, p.Val163= (NM_001406866.1); c.327T>C, p.Val109= (NM_001406868.1); c.35+232T>C (NM_001322008.2, NM_001406902.1, NM_001406883.1 and 4 more transcripts); and 5 more.
Identifiers: ClinVar variation 2757398 (VCV002757398.4), dbSNP rs755908654, ClinGen allele CA453647951.
Genomic context (GRCh38, chr7:6,003,740, plus strand): 5'-ATTGTATCACCTCAGTGCACAAAGTGAGCTCAGAGCTTCCCCCCGAAAGCCAAAAGTTTC[A>G]ACCTGAGTTAGGTCGGCAAACTCTTGAATCTTAGATGTGTGATGTTTCAGAGCTGAAAGA-3'
Protein context (NP_000526.2, residues 91-111): KIQEFADLTQ[Val101=]ETFGFRGEAL

ClinVar aggregate classification (germline): Benign/Likely benign. Review status: criteria provided, multiple submitters, no conflicts (2 of 4 stars). 2 submissions from 2 submitters: Benign (1); Likely benign (1). Last evaluated 2025-01-24.

Conditions:
Lynch syndrome 4 (LYNCH4). Also called: Colorectal cancer, hereditary nonpolyposis, type 4; Hereditary non-polyposis colorectal cancer, type 4. Identifiers: Orphanet 144, MedGen C1838333, MONDO:0013699, OMIM 614337. Disease mechanism: loss of function.
Hereditary nonpolyposis colorectal neoplasms. Identifiers: MedGen C0009405, MeSH D003123.

Submissions (2):

Myriad Genetics, Inc.
Classification: Benign for Lynch syndrome 4. Last evaluated: 2025-01-24. Review status: criteria provided, single submitter. Criteria: Myriad Autosomal Dominant, Autosomal Recessive and X-Linked Classification Criteria (2023). Collection method: clinical testing. Allele origin: unknown.
Comment: This variant is considered benign. This variant is a silent/synonymous amino acid change and it is not expected to impact splicing.

Labcorp Genetics (formerly Invitae), Labcorp
Classification: Likely benign for Hereditary nonpolyposis colorectal neoplasms. Last evaluated: 2024-08-12. Review status: criteria provided, single submitter. Criteria: Invitae Variant Classification Sherloc (09022015). Collection method: clinical testing. Allele origin: germline.